The following is an entry in ClinVar:

ClinVar aggregate classification (germline): Benign/Likely benign. Review status: criteria provided, multiple submitters, no conflicts (2 of 4 stars). 6 submissions from 6 submitters: Benign (1); Likely benign (4). 1 of the submissions does not count toward it. Last evaluated 2026-01-05.

Conditions:
Tuberous sclerosis 2 (TSC2). Identifiers: Orphanet 805, MedGen C1860707, MONDO:0013199, OMIM 613254.
TSC2-related disorder. Also called: TSC2-related condition; TSC2-Related Disorders.

Allele frequency attached by ClinVar (database versions not stated): gnomAD 0.00001.
gnomAD v4.1: 5 of 1,612,840 alleles (0.00031%); highest among the groups gnomAD compares: African/African-American, 0.004%; no homozygotes.

Submissions (6):

Labcorp Genetics (formerly Invitae), Labcorp
Classification: Likely benign for Tuberous sclerosis 2. Last evaluated: 2026-01-05. Review status: criteria provided, single submitter. Criteria: Invitae Variant Classification Sherloc (09022015). Collection method: clinical testing. Allele origin: germline.

Myriad Genetics, Inc.
Classification: Likely benign for Tuberous sclerosis 2. Last evaluated: 2025-05-15. Review status: criteria provided, single submitter. Criteria: Myriad Autosomal Dominant, Autosomal Recessive and X-Linked Classification Criteria (2023). Collection method: clinical testing. Allele origin: unknown.
Comment: This variant is considered likely benign. This variant is intronic and is not expected to impact mRNA splicing.

Blueprint Genetics
Classification: Likely benign. Last evaluated: 2023-11-13. Review status: criteria provided, single submitter. Criteria: ACMG Guidelines, 2015. Collection method: clinical testing. Allele origin: germline.

Genome-Nilou Lab
Classification: Benign for Tuberous sclerosis 2. Last evaluated: 2021-11-07. Review status: criteria provided, single submitter. Criteria: ACMG Guidelines, 2015. Collection method: clinical testing. Allele origin: germline. Affected: no.

GeneDx
Classification: Likely benign. Last evaluated: 2017-03-02. Review status: criteria provided, single submitter. Criteria: GeneDx Variant Classification (06012015). Collection method: clinical testing. Allele origin: germline. Affected: yes.
Comment: This variant is considered likely benign or benign based on one or more of the following criteria: it is a conservative change, it occurs at a poorly conserved position in the protein, it is predicted to be benign by multiple in silico algorithms, and/or has population frequency not consistent with disease.

PreventionGenetics, part of Exact Sciences
Classification: Likely benign for TSC2-related condition. Last evaluated: 2019-05-30. Review status: no assertion criteria provided. Collection method: clinical testing. Allele origin: germline. Not counted in ClinVar's aggregate classification.
Comment: This variant is classified as likely benign based on ACMG/AMP sequence variant interpretation guidelines (Richards et al. 2015 PMID: 25741868, with internal and published modifications).

NM_000548.5(TSC2):c.1839+10C>T

Gene: TSC2 (TSC complex subunit 2; plus strand). Cytogenetic location: 16p13.3.
Variant type: single nucleotide variant.
Coding change: c.1839+10C>T on transcript NM_000548.5 (MANE Select); 10 bases into the intron after coding-DNA position 1839, C replaced by T.
Molecular consequence: intron variant.
Genome position (GRCh38, 1-based): chr16:2,070,588, C>T. VCF-style: chr16-2070588-C-T. GRCh37 (hg19) VCF-style: chr16-2120589-C-T.
Other names: c.1839+10C>T (NM_000548.4, NM_001114382.3, NM_021055.3 and 4 more transcripts); c.1728+10C>T (NM_001318827.2); c.1239+10C>T (NM_001318831.2); c.1692+10C>T (NM_001318829.2); c.1872+10C>T (NM_001318832.2).
Identifiers: ClinVar variation 507711 (VCV000507711.15), dbSNP rs868388786, ClinGen allele CA276735963.
Genomic context (GRCh38, chr16:2,070,588, plus strand): 5'-CACTACAAGCACAGCTACACCCTGCCAATCGCGAGCAGCATCCGGCTGCAGGTATGGTGG[C>T]TGGGGTTGCGCAGCCAGTTCCTGGGGGCCCAGCCAGGTATCCCCGTCTCGGCAGGTGTGG-3'